The following is an entry in ClinVar:

NM_001005373.4(LRSAM1):c.1159+5G>A

Gene: LRSAM1 (leucine rich repeat and sterile alpha motif containing 1; plus strand). Cytogenetic location: 9q33.3.
Variant type: single nucleotide variant.
Coding change: c.1159+5G>A on transcript NM_001005373.4 (MANE Select); 5 bases into the intron after coding-DNA position 1159, G replaced by A.
Molecular consequence: intron variant.
Genome position (GRCh38, 1-based): chr9:127,483,025, G>A. VCF-style: chr9-127483025-G-A. GRCh37 (hg19) VCF-style: chr9-130245304-G-A.
Other names: c.1159+5G>A (NM_138361.5, NM_001384142.1, NM_001384143.1 and 2 more transcripts); c.370+5G>A (NM_001384144.1).
Identifiers: ClinVar variation 2982458 (VCV002982458.3), dbSNP rs753418696, ClinGen allele CA2740095601.

ClinVar aggregate classification (germline): Uncertain significance (1 of 4 stars; one submission).

Conditions:
Charcot-Marie-Tooth disease axonal type 2P. Also called: Charcot-Marie-Tooth Neuropathy Type 2G; CHARCOT-MARIE-TOOTH DISEASE, AXONAL, TYPE 2G; CMT 2G; CHARCOT-MARIE-TOOTH NEUROPATHY, TYPE 2P. Identifiers: Orphanet 300319, Orphanet 99941, MedGen C3280797, MONDO:0013753, OMIM 614436.

Submission:

Labcorp Genetics (formerly Invitae), Labcorp
Classification: Uncertain significance for Charcot-Marie-Tooth disease axonal type 2P. Last evaluated: 2023-09-13. Review status: criteria provided, single submitter. Criteria: Invitae Variant Classification Sherloc (09022015). Collection method: clinical testing. Allele origin: germline.
Comment: This variant has not been reported in the literature in individuals affected with LRSAM1-related conditions. This sequence change falls in intron 15 of the LRSAM1 gene. It does not directly change the encoded amino acid sequence of the LRSAM1 protein. It affects a nucleotide within the consensus splice site. This variant is not present in population databases (gnomAD no frequency). Variants that disrupt the consensus splice site are a relatively common cause of aberrant splicing (PMID: 17576681, 9536098). Algorithms developed to predict the effect of sequence changes on RNA splicing suggest that this variant may disrupt the consensus splice site. In summary, the available evidence is currently insufficient to determine the role of this variant in disease. Therefore, it has been classified as a Variant of Uncertain Significance.

Literature cited by the submitters: PubMed 17576681; PubMed 9536098.